The following is an entry in ClinVar:

ClinVar aggregate classification (germline): Uncertain significance (1 of 4 stars; one submission).

Submission:

Labcorp Genetics (formerly Invitae), Labcorp
Classification: Uncertain significance. Last evaluated: 2021-07-24. Review status: criteria provided, single submitter. Criteria: Invitae Variant Classification Sherloc (09022015). Collection method: clinical testing. Allele origin: germline.
Comment: Algorithms developed to predict the effect of missense changes on protein structure and function are either unavailable or do not agree on the potential impact of this missense change (SIFT: "Tolerated"; PolyPhen-2: "Probably Damaging"; Align-GVGD: "Class C0"). This sequence change replaces histidine with tyrosine at codon 3364 of the KMT2A protein (p.His3364Tyr). The histidine residue is weakly conserved and there is a moderate physicochemical difference between histidine and tyrosine. This variant is not present in population databases (ExAC no frequency). This variant has not been reported in the literature in individuals affected with KMT2A-related conditions. In summary, the available evidence is currently insufficient to determine the role of this variant in disease. Therefore, it has been classified as a Variant of Uncertain Significance.

NM_001197104.2(KMT2A):c.10090C>T (p.His3364Tyr)

Gene: KMT2A (lysine methyltransferase 2A; plus strand). Cytogenetic location: 11q23.3.
Variant type: single nucleotide variant.
Coding change: c.10090C>T on transcript NM_001197104.2 (MANE Select); coding-DNA position 10090, C replaced by T.
Protein change: p.His3364Tyr; replaces histidine 3364 with tyrosine.
Molecular consequence: missense variant.
Genome position (GRCh38, 1-based): chr11:118,505,982, C>T. VCF-style: chr11-118505982-C-T. GRCh37 (hg19) VCF-style: chr11-118376697-C-T.
Other names: c.10081C>T, p.His3361Tyr (NM_005933.4); short protein forms H3361Y, H3364Y.
Identifiers: ClinVar variation 1450805 (VCV001450805.6), dbSNP rs987931529, ClinGen allele CA382822626.